The following is an entry in ClinVar:

ClinVar aggregate classification (germline): Uncertain significance (1 of 4 stars; one submission).

Conditions:
Regional enteritis. Also called: Enteritis, Granulomatous. Identifiers: MedGen C0678202, MeSH D003424.
Blau syndrome (BLAUS). Also called: GRANULOMATOSIS, FAMILIAL JUVENILE SYSTEMIC; GRANULOMATOSIS, FAMILIAL, BLAU TYPE; GRANULOMATOUS INFLAMMATORY ARTHRITIS, DERMATITIS, AND UVEITIS, FAMILIAL; JABS SYNDROME; ARTHROCUTANEOUVEAL GRANULOMATOSIS. Identifiers: Orphanet 90340, MedGen C5201146, MONDO:0008523, OMIM 186580.

Allele frequency attached by ClinVar (database versions not stated): gnomAD 0.00001 and 0.00002; gnomAD exomes 0.00001 and 0.00002; TOPMed 0.00001; ExAC 0.00002; 1000 Genomes Project 0.00020; 1000 Genomes Project 30x 0.00031.

Submission:

Labcorp Genetics (formerly Invitae), Labcorp
Classification: Uncertain significance for Regional enteritis; Blau syndrome. Last evaluated: 2025-07-30. Review status: criteria provided, single submitter. Criteria: Invitae Variant Classification Sherloc (09022015). Collection method: clinical testing. Allele origin: germline.
Comment: This sequence change replaces arginine, which is basic and polar, with cysteine, which is neutral and slightly polar, at codon 426 of the NOD2 protein (p.Arg426Cys). This variant is present in population databases (rs545466982, gnomAD 0.01%). This variant has not been reported in the literature in individuals affected with NOD2-related conditions. ClinVar contains an entry for this variant (Variation ID: 1038667). Invitae Evidence Modeling of protein sequence and biophysical properties (such as structural, functional, and spatial information, amino acid conservation, physicochemical variation, residue mobility, and thermodynamic stability) has been performed for this missense variant. However, the output from this modeling did not meet the statistical confidence thresholds required to predict the impact of this variant on NOD2 protein function. In summary, the available evidence is currently insufficient to determine the role of this variant in disease. Therefore, it has been classified as a Variant of Uncertain Significance.

NM_001370466.1(NOD2):c.1195C>T (p.Arg399Cys)

Gene: NOD2 (nucleotide binding oligomerization domain containing 2; plus strand). Cytogenetic location: 16q12.1.
Variant type: single nucleotide variant.
Coding change: c.1195C>T on transcript NM_001370466.1 (MANE Select); coding-DNA position 1195, C replaced by T.
Protein change: p.Arg399Cys; replaces arginine 399 with cysteine.
Molecular consequence: missense variant. On other transcripts: non-coding transcript variant (1).
Genome position (GRCh38, 1-based): chr16:50,711,187, C>T. VCF-style: chr16-50711187-C-T. GRCh37 (hg19) VCF-style: chr16-50745098-C-T.
Other names: c.1195C>T, p.Arg399Cys (NM_001293557.2); c.1276C>T, p.Arg426Cys (NM_022162.3); short protein forms R426C, R399C.
Identifiers: ClinVar variation 1038667 (VCV001038667.47), dbSNP rs545466982, ClinGen allele CA8051501.